The following is an entry in ClinVar:

ClinVar aggregate classification (germline): Uncertain significance. Review status: criteria provided, multiple submitters, no conflicts (2 of 4 stars). 2 submissions from 2 submitters: Uncertain significance (2). Last evaluated 2026-04-10.

Conditions:
Charcot-Marie-Tooth disease dominant intermediate B (CMTDIB). Also called: CHARCOT-MARIE-TOOTH NEUROPATHY, DOMINANT INTERMEDIATE B; Charcot-Marie-Tooth disease dominant intermediate 1; CMT DI1; Charcot-Marie-Tooth disease dominant intermediate I. Identifiers: Orphanet 100044, Orphanet 228179, MedGen C1847902, MONDO:0011674, OMIM 606482.

Allele frequency attached by ClinVar (database versions not stated): ExAC 0.00001; gnomAD exomes below 0.00001; TOPMed 0.00001.
gnomAD v4.1: 2 of 1,614,112 alleles (0.00012%); highest among the groups gnomAD compares: Non-Finnish European, 0.00017%; no homozygotes.

Submissions (2):

GeneDx
Classification: Uncertain significance. Last evaluated: 2026-04-10. Review status: criteria provided, single submitter. Criteria: GeneDx Variant Classification Process June 2021. Collection method: clinical testing. Allele origin: germline.
Comment: Not observed at significant frequency in large population cohorts (gnomAD); In silico analysis supports that this missense variant has a deleterious effect on protein structure/function; Has not been previously published as pathogenic or benign to our knowledge

Labcorp Genetics (formerly Invitae), Labcorp
Classification: Uncertain significance for Charcot-Marie-Tooth disease dominant intermediate B. Last evaluated: 2024-02-27. Review status: criteria provided, single submitter. Criteria: Invitae Variant Classification Sherloc (09022015). Collection method: clinical testing. Allele origin: germline.
Comment: This sequence change replaces arginine, which is basic and polar, with glutamine, which is neutral and polar, at codon 67 of the DNM2 protein (p.Arg67Gln). This variant is present in population databases (rs752080566, gnomAD 0.0009%). This variant has not been reported in the literature in individuals affected with DNM2-related conditions. ClinVar contains an entry for this variant (Variation ID: 657523). Advanced modeling of protein sequence and biophysical properties (such as structural, functional, and spatial information, amino acid conservation, physicochemical variation, residue mobility, and thermodynamic stability) has been performed at Invitae for this missense variant, however the output from this modeling did not meet the statistical confidence thresholds required to predict the impact of this variant on DNM2 protein function. In summary, the available evidence is currently insufficient to determine the role of this variant in disease. Therefore, it has been classified as a Variant of Uncertain Significance.

NM_001005361.3(DNM2):c.200G>A (p.Arg67Gln)

Gene: DNM2 (dynamin 2; plus strand). Cytogenetic location: 19p13.2.
Variant type: single nucleotide variant.
Coding change: c.200G>A on transcript NM_001005361.3 (MANE Select); coding-DNA position 200, G replaced by A.
Protein change: p.Arg67Gln; replaces arginine 67 with glutamine.
Molecular consequence: missense variant.
Genome position (GRCh38, 1-based): chr19:10,759,776, G>A. VCF-style: chr19-10759776-G-A. GRCh37 (hg19) VCF-style: chr19-10870452-G-A.
Other names: c.200G>A, p.Arg67Gln (NM_001005360.3, NM_001005362.3, NM_001190716.2 and 1 more transcripts); short protein forms R67Q.
Identifiers: ClinVar variation 657523 (VCV000657523.9), dbSNP rs752080566, ClinGen allele CA9200727.
Genomic context (GRCh38, chr19:10,759,776, plus strand): 5'-TGTCCCTCTCCCCCCCTCACAGGGACTTCCTTCCCCGCGGTTCAGGAATCGTCACCCGGC[G>A]GCCTCTCATTCTGCAGCTCATCTTCTCAAAAACAGGTAAAATGGGGCGGCCTGAGGTTCA-3'
Protein context (NP_001005361.1, residues 57-77): LPRGSGIVTR[Arg67Gln]PLILQLIFSK